The following is an entry in ClinVar:

NM_001127898.4(CLCN5):c.*5140A>G

Gene: CLCN5 (Cl-/H+ antiporter 5; plus strand). Cytogenetic location: Xp11.23.
Variant type: single nucleotide variant.
Coding change: c.*5140A>G on transcript NM_001127898.4 (MANE Select); 5140 bases downstream of the stop codon, A replaced by G.
Molecular consequence: 3 prime UTR variant.
Genome position (GRCh38, 1-based): chrX:50,097,359, A>G. VCF-style: chrX-50097359-A-G. GRCh37 (hg19) VCF-style: chrX-49862016-A-G.
Other names: c.*5140A>G (NM_000084.5, NM_001127899.4, NM_001282163.2).
Identifiers: ClinVar variation 368523 (VCV000368523.5), dbSNP rs182121138, ClinGen allele CA10653978.

ClinVar aggregate classification (germline): Benign (1 of 4 stars; one submission).

Conditions:
Dent disease type 1 (DENT1). Also called: NEPHROLITHIASIS 2; NEPHROLITHIASIS, HYPERCALCIURIC, X-LINKED. Identifiers: Orphanet 1652, Orphanet 93622, MedGen C1848336, MONDO:0010225, OMIM 300009.

Allele frequency attached by ClinVar (database versions not stated): gnomAD 0.00027 and 0.00045; TOPMed 0.00034; 1000 Genomes Project 0.00106; 1000 Genomes Project 30x 0.00146.

Submission:

Illumina Laboratory Services, Illumina
Classification: Benign for Dent disease type 1. Last evaluated: 2018-01-12. Review status: criteria provided, single submitter. Criteria: ICSL Variant Classification Criteria 13 December 2019. Collection method: clinical testing. Allele origin: germline.
Comment: This variant was observed in the ICSL laboratory as part of a predisposition screen in an ostensibly healthy population. It had not been previously curated by ICSL or reported in the Human Gene Mutation Database (HGMD: prior to June 1st, 2018), and was therefore a candidate for classification through an automated scoring system. Utilizing variant allele frequency, disease prevalence and penetrance estimates, and inheritance mode, an automated score was calculated to assess if this variant is too frequent to cause the disease. Based on the score and internal cut-off values, a variant classified as benign is not then subjected to further curation. The score for this variant resulted in a classification of benign for this disease.